The following is an entry in ClinVar:

NM_015629.4(PRPF31):c.1073+1G>A

Gene: PRPF31 (pre-mRNA processing factor 31; plus strand). Cytogenetic location: 19q13.42.
Variant type: single nucleotide variant.
Coding change: c.1073+1G>A on transcript NM_015629.4 (MANE Select); the canonical splice donor site of the intron after coding-DNA position 1073, G replaced by A.
Molecular consequence: splice donor variant.
Genome position (GRCh38, 1-based): chr19:54,128,201, G>A. VCF-style: chr19-54128201-G-A. GRCh37 (hg19) VCF-style: chr19-54631576-G-A.
Identifiers: ClinVar variation 193720 (VCV000193720.14), dbSNP rs794727001, ClinGen allele CA274941.

ClinVar aggregate classification (germline): Pathogenic. Review status: criteria provided, multiple submitters, no conflicts (2 of 4 stars). 4 submissions from 4 submitters: Pathogenic (4). Last evaluated 2026-04-21.

Conditions:
PRPF31-related disorder. Also called: PRPF31-related condition.

Submissions (4):

PreventionGenetics, part of Exact Sciences
Classification: Pathogenic for PRPF31-related condition. Last evaluated: 2026-04-21. Review status: criteria provided, single submitter. Criteria: ACMG Guidelines, 2015. Collection method: clinical testing. Allele origin: germline.
Comment: The PRPF31 c.1073+1G>A variant is predicted to disrupt the GT donor site and interfere with normal splicing. This variant, also referred to as IVS10+1G>A, has been reported in individuals with retinitis pigmentosa (Sullivan et al. 2006. PubMed ID: 16799052; Kiser et al. 2018. PubMed ID: 30582903; Table S4, Liu et al. 2020. PubMed ID: 33090715; Suppl. Table 1, Stone et al. 2017. PubMed ID: 28559085). This variant is not reported in a large population database (gnomAD), indicating this variant is rare. Variants that disrupt the consensus splice donor site in PRPF31 are expected to be pathogenic. This variant is interpreted as pathogenic.

Labcorp Genetics (formerly Invitae), Labcorp
Classification: Pathogenic. Last evaluated: 2024-11-05. Review status: criteria provided, single submitter. Criteria: Invitae Variant Classification Sherloc (09022015). Collection method: clinical testing. Allele origin: germline.
Comment: This sequence change affects a donor splice site in intron 10 of the PRPF31 gene. It is expected to disrupt RNA splicing. Variants that disrupt the donor or acceptor splice site typically lead to a loss of protein function (PMID: 16199547), and loss-of-function variants in PRPF31 are known to be pathogenic (PMID: 18317597, 23950152). This variant is not present in population databases (gnomAD no frequency). Disruption of this splice site has been observed in individual(s) with retinitis pigmentosa (PMID: 16799052). It has also been observed to segregate with disease in related individuals. This variant is also known as IVS10+1G>A. ClinVar contains an entry for this variant (Variation ID: 193720). Algorithms developed to predict the effect of sequence changes on RNA splicing suggest that this variant may disrupt the consensus splice site. For these reasons, this variant has been classified as Pathogenic.

Blueprint Genetics
Classification: Pathogenic for PRPF31-related disorders. Last evaluated: 2019-07-03. Review status: criteria provided, single submitter. Criteria: ACMG Guidelines, 2015. Collection method: clinical testing. Allele origin: germline. Affected: yes. Observed: 2 variant alleles.

Eurofins Ntd Llc (ga)
Classification: Pathogenic. Last evaluated: 2015-04-01. Review status: criteria provided, single submitter. Criteria: EGL Classification Definitions 2015. Collection method: clinical testing. Allele origin: germline. Observed: 1 variant allele, 1 heterozygote.

Literature cited by the submitters: PubMed 16199547 (cited by Labcorp Genetics (formerly Invitae), Labcorp); PubMed 18317597 (cited by Labcorp Genetics (formerly Invitae), Labcorp); PubMed 23950152 (cited by Labcorp Genetics (formerly Invitae), Labcorp); PubMed 16799052 (cited by Labcorp Genetics (formerly Invitae), Labcorp).